The following is an entry in ClinVar:

ClinVar aggregate classification (germline): Uncertain significance (1 of 4 stars; one submission).

Conditions:
Cardiovascular phenotype. Identifiers: MedGen CN230736.

Submission:

Ambry Genetics
Classification: Uncertain significance for Cardiovascular phenotype. Last evaluated: 2025-06-10. Review status: criteria provided, single submitter. Criteria: Ambry Variant Classification Scheme 2023. Collection method: clinical testing. Allele origin: germline.
Comment: The p.A97D variant (also known as c.290C>A), located in coding exon 3 of the PRDM5 gene, results from a C to A substitution at nucleotide position 290. The alanine at codon 97 is replaced by aspartic acid, an amino acid with dissimilar properties. This amino acid position is conserved. In addition, this alteration is predicted to be deleterious by in silico analysis. Based on the available evidence, the clinical significance of this variant remains unclear.

NM_018699.4(PRDM5):c.290C>A (p.Ala97Asp)

Gene: PRDM5 (PR/SET domain 5; minus strand). Cytogenetic location: 4q27.
Variant type: single nucleotide variant.
Coding change: c.290C>A on transcript NM_018699.4 (MANE Select); coding-DNA position 290, C replaced by A.
Protein change: p.Ala97Asp; replaces alanine 97 with aspartic acid.
Molecular consequence: missense variant.
Genome position (GRCh38, 1-based): chr4:120,853,428, G>T on the plus strand (C>A on the coding strand, the complement: PRDM5 is on the minus strand). VCF-style: chr4-120853428-G-T. GRCh37 (hg19) VCF-style: chr4-121774583-G-T.
Other names: c.290C>A, p.Ala97Asp (NM_001300823.2, NM_001300824.2, NM_001379104.1 and 1 more transcripts); short protein forms A97D.
Identifiers: ClinVar variation 3937796 (VCV003937796.1).